The following is an entry in ClinVar:

ClinVar aggregate classification (germline): Uncertain significance (1 of 4 stars; one submission).

Conditions:
Intellectual disability, X-linked 49 (MRXSRC). Also called: MENTAL RETARDATION, X-LINKED 15; CLCN4-related X-linked intellectual disability syndrome; RAYNAUD-CLAES SYNDROME; MRX49; CLCN4-Related Neurodevelopmental Disorder. Identifiers: Orphanet 485350, Orphanet 777, MedGen C0796221, MONDO:0010250, OMIM 300114.

Submission:

Juno Genomics, Hangzhou Juno Genomics, Inc
Classification: Uncertain significance for Intellectual disability, X-linked 49. Review status: criteria provided, single submitter. Criteria: ACMG Guidelines, 2015. Collection method: clinical testing. Allele origin: germline.
Comment: Absent from controls (or at extremely low frequency if recessive) in Genome Aggregation Database.

NM_001830.4(CLCN4):c.381C>G (p.Asp127Glu)

Gene: CLCN4 (Cl-/H+ antiporter 4; plus strand). Cytogenetic location: Xp22.2.
Variant type: single nucleotide variant.
Coding change: c.381C>G on transcript NM_001830.4 (MANE Select); coding-DNA position 381, C replaced by G.
Protein change: p.Asp127Glu; replaces aspartic acid 127 with glutamic acid.
Molecular consequence: missense variant.
Genome position (GRCh38, 1-based): chrX:10,195,047, C>G. VCF-style: chrX-10195047-C-G. GRCh37 (hg19) VCF-style: chrX-10163087-C-G.
Other names: c.99C>G, p.Asp33Glu (NM_001256944.2); short protein forms D127E, D33E.
Identifiers: ClinVar variation 5007487 (VCV005007487.2).